The following is an entry in ClinVar:

ClinVar aggregate classification (germline): Uncertain significance. Review status: criteria provided, multiple submitters, no conflicts (2 of 4 stars). 2 submissions from 2 submitters: Uncertain significance (2). Last evaluated 2025-11-19.

Conditions:
Inborn genetic diseases. Identifiers: MedGen C0950123, MeSH D030342.

Submissions (2):

Ambry Genetics
Classification: Uncertain significance for Inborn genetic diseases. Last evaluated: 2025-11-19. Review status: criteria provided, single submitter. Criteria: Ambry Variant Classification Scheme 2023. Collection method: clinical testing. Allele origin: germline.

Labcorp Genetics (formerly Invitae), Labcorp
Classification: Uncertain significance. Last evaluated: 2025-08-11. Review status: criteria provided, single submitter. Criteria: Invitae Variant Classification Sherloc (09022015). Collection method: clinical testing. Allele origin: germline.
Comment: This sequence change replaces isoleucine, which is neutral and non-polar, with valine, which is neutral and non-polar, at codon 144 of the SLC25A38 protein (p.Ile144Val). This variant is present in population databases (no rsID available, gnomAD 0.003%). This variant has not been reported in the literature in individuals affected with SLC25A38-related conditions. Invitae Evidence Modeling of protein sequence and biophysical properties (such as structural, functional, and spatial information, amino acid conservation, physicochemical variation, residue mobility, and thermodynamic stability) indicates that this missense variant is not expected to disrupt SLC25A38 protein function with a negative predictive value of 80%. In summary, the available evidence is currently insufficient to determine the role of this variant in disease. Therefore, it has been classified as a Variant of Uncertain Significance.

NM_017875.4(SLC25A38):c.430A>G (p.Ile144Val)

Gene: SLC25A38 (solute carrier family 25 member 38; plus strand). Cytogenetic location: 3p22.1.
Variant type: single nucleotide variant.
Coding change: c.430A>G on transcript NM_017875.4 (MANE Select); coding-DNA position 430, A replaced by G.
Protein change: p.Ile144Val; replaces isoleucine 144 with valine.
Molecular consequence: missense variant.
Genome position (GRCh38, 1-based): chr3:39,391,594, A>G. VCF-style: chr3-39391594-A-G. GRCh37 (hg19) VCF-style: chr3-39433085-A-G.
Other names: c.430A>G, p.Ile144Val (NM_001354798.2); short protein forms I144V.
Identifiers: ClinVar variation 4631148 (VCV004631148.2).
Genomic context (GRCh38, chr3:39,391,594, plus strand): 5'-CTGGAGTCAGTCATGCTGGGGGTGGGCTCTCGCTCTGTTGCAGGGGTCTGTATGTCACCT[A>G]TCACTGTAATCAAGACGCGCTATGAGGTGAGTTCAACCACTTTAGGGCCTCAGGATAGTT-3'
Protein context (NP_060345.2, residues 134-154): RSVAGVCMSP[Ile144Val]TVIKTRYESG